The following is an entry in ClinVar:

NM_000030.3(AGXT):c.358+56_358+64del

Gene: AGXT (alanine--glyoxylate aminotransferase; plus strand). Cytogenetic location: 2q37.3.
Variant type: Microsatellite.
Coding change: c.358+56_358+64del on transcript NM_000030.3 (MANE Select); bases 56 to 64 of the intron after coding-DNA position 358, 9 bases deleted (GGCCTCCCT; older notation c.358+56_358+64delGGCCTCCCT).
Molecular consequence: intron variant.
Genome position (GRCh38, 1-based): chr2:240,869,418-240,869,426, GGCCTCCCT deleted; deleting any 9 consecutive bases within chr2:240,869,409-240,869,426 gives the same sequence; the c. name uses the placement nearest the transcript's 3' end. VCF-style (leftmost placement, unchanged base first): chr2-240869408-AGGCCTCCCT-A. GRCh37 (hg19) VCF-style: chr2-241808825-AGGCCTCCCT-A.
Identifiers: ClinVar variation 204033 (VCV000204033.4), dbSNP rs180177209, ClinGen allele CA275569.

ClinVar aggregate classification (germline): Benign. Review status: criteria provided, multiple submitters, no conflicts (2 of 4 stars). 3 submissions from 3 submitters: Benign (2). 1 of the submissions does not count toward it. Last evaluated 2026-08-06.

Conditions:
Primary hyperoxaluria, type I (HP1). Also called: GLYCOLIC ACIDURIA; HEPATIC AGT DEFICIENCY; OXALOSIS I; Primary hyperoxaluria type 1. Identifiers: Orphanet 416, Orphanet 93598, MedGen C0268164, MONDO:0009823, OMIM 259900. Disease mechanism: loss of function.

Submissions (3):

PersonGene
Classification: Benign for Primary hyperoxaluria, type I. Last evaluated: 2026-08-06. Review status: criteria provided, single submitter. Criteria: ACMG Guidelines, 2015. Collection method: research. Allele origin: germline. Inheritance: Autosomal recessive inheritance. Affected: no. Observed: 5 variant alleles, 5 homozygotes.
Comment: The AGXT c.358+56_358+64del intronic variant was classified as benign according to ACMG/AMP criteria. The variant has a 1000 Genomes global minor allele frequency of approximately 24% (0.24022), far greater than expected for a pathogenic variant causing primary hyperoxaluria type 1, a rare autosomal recessive disorder, supporting application of BA1. In addition, the variant was identified in the homozygous state in five individuals. Retrospective review of their available clinical records did not identify a phenotype suggestive of primary hyperoxaluria type 1: none had documented nephrolithiasis, nephrocalcinosis, systemic oxalosis, or other clinically relevant manifestations of an oxalate-related disorder, and alternative causes of kidney disease were documented in several individuals. These observations provide evidence consistent with BS2. Taken together, BA1 and the additional evidence from homozygous individuals lacking a compatible phenotype support a benign classification.

GeneDx
Classification: Benign. Last evaluated: 2018-09-11. Review status: criteria provided, single submitter. Criteria: GeneDx Variant Classification Process June 2021. Collection method: clinical testing. Allele origin: germline. Affected: yes.

Clinical Biochemistry Laboratory, Health Services Laboratory
Classification: Uncertain significance for Primary hyperoxaluria, type I. Last evaluated: 2014-11-27. Review status: no assertion criteria provided. Collection method: research. Allele origin: germline. Affected: yes. Not counted in ClinVar's aggregate classification.

Literature cited by the submitters: PubMed 19479957 (cited by Clinical Biochemistry Laboratory, Health Services Laboratory).